The following is an entry in ClinVar:

NM_006019.4(TCIRG1):c.2098G>C (p.Asp700His)

Gene: TCIRG1 (T cell immune regulator 1, ATPase H+ transporting V0 subunit a3; plus strand). Cytogenetic location: 11q13.2.
Variant type: single nucleotide variant.
Coding change: c.2098G>C on transcript NM_006019.4 (MANE Select); coding-DNA position 2098, G replaced by C.
Protein change: p.Asp700His; replaces aspartic acid 700 with histidine.
Molecular consequence: missense variant.
Genome position (GRCh38, 1-based): chr11:68,050,046, G>C. VCF-style: chr11-68050046-G-C. GRCh37 (hg19) VCF-style: chr11-67817513-G-C.
Other names: c.1138G>C, p.Asp380His (NM_001440569.1); c.1450G>C, p.Asp484His (NM_006053.4); c.1204G>C, p.Asp402His (NM_001351059.2); c.2098G>C, p.Asp700His (NM_001440552.1, NM_001440553.1, NM_001440554.1 and 2 more transcripts); c.2056G>C, p.Asp686His (NM_001440555.1, NM_001440556.1, NM_001440563.1); c.1885G>C, p.Asp629His (NM_001440559.1, NM_001440560.1, NM_001440561.1 and 2 more transcripts); c.1843G>C, p.Asp615His (NM_001440564.1); c.1798G>C, p.Asp600His (NM_001440565.1); and 2 more; short protein forms D380H, D402H, D544H, D629H, D686H, D700H, D484H, D546H.
Identifiers: ClinVar variation 4780078 (VCV004780078.1).
Genomic context (GRCh38, chr11:68,050,046, plus strand): 5'-GACCTGCCTGACGCATCTGTGAATGGCTGGAGCTCCGATGAGGAAAAGGCAGGGGGCCTG[G>C]ATGATGAAGAGGAGGCCGAGGTGGGTGCAGTGCCTTCCTGGGGGTGGGACGGCTGAGGCC-3'
Protein context (NP_006010.2, residues 690-710): SSDEEKAGGL[Asp700His]DEEEAELVPS

ClinVar aggregate classification (germline): Uncertain significance (1 of 4 stars; one submission).

Submission:

Labcorp Genetics (formerly Invitae), Labcorp
Classification: Uncertain significance. Last evaluated: 2025-02-25. Review status: criteria provided, single submitter. Criteria: Invitae Variant Classification Sherloc (09022015). Collection method: clinical testing. Allele origin: germline.
Comment: This sequence change replaces aspartic acid, which is acidic and polar, with histidine, which is basic and polar, at codon 700 of the TCIRG1 protein (p.Asp700His). This variant is not present in population databases (gnomAD no frequency). This variant has not been reported in the literature in individuals affected with TCIRG1-related conditions. Invitae Evidence Modeling of protein sequence and biophysical properties (such as structural, functional, and spatial information, amino acid conservation, physicochemical variation, residue mobility, and thermodynamic stability) indicates that this missense variant is not expected to disrupt TCIRG1 protein function with a negative predictive value of 80%. In summary, the available evidence is currently insufficient to determine the role of this variant in disease. Therefore, it has been classified as a Variant of Uncertain Significance.